The following is an entry in ClinVar:

ClinVar aggregate classification (germline): Uncertain significance (1 of 4 stars; one submission).

Conditions:
Immunodeficiency, common variable, 7. Identifiers: Orphanet 1572, Orphanet 696894, MedGen C3542922, MONDO:0013862, OMIM 614699.

gnomAD v4.1: 1 of 1,613,984 alleles (0.000062%); no homozygotes.

Submission:

Labcorp Genetics (formerly Invitae), Labcorp
Classification: Uncertain significance for Immunodeficiency, common variable, 7. Last evaluated: 2022-11-22. Review status: criteria provided, single submitter. Criteria: Invitae Variant Classification Sherloc (09022015). Collection method: clinical testing. Allele origin: germline.
Comment: In summary, the available evidence is currently insufficient to determine the role of this variant in disease. Therefore, it has been classified as a Variant of Uncertain Significance. Algorithms developed to predict the effect of missense changes on protein structure and function are either unavailable or do not agree on the potential impact of this missense change (SIFT: "Tolerated"; PolyPhen-2: "Possibly Damaging"; Align-GVGD: "Class C0"). ClinVar contains an entry for this variant (Variation ID: 1354818). This variant has not been reported in the literature in individuals affected with CR2-related conditions. This variant is not present in population databases (gnomAD no frequency). This sequence change replaces threonine, which is neutral and polar, with isoleucine, which is neutral and non-polar, at codon 304 of the CR2 protein (p.Thr304Ile).

NM_001006658.3(CR2):c.911C>T (p.Thr304Ile)

Genes: CR2 (complement C3d receptor 2; plus strand), LOC126805994 (BRD4-independent group 4 enhancer GRCh37_chr1:207642622-207643821; plus strand). Cytogenetic location: 1q32.2.
Variant type: single nucleotide variant.
Coding change: c.911C>T on transcript NM_001006658.3 (MANE Select); coding-DNA position 911, C replaced by T.
Protein change: p.Thr304Ile; replaces threonine 304 with isoleucine.
Molecular consequence: missense variant.
Genome position (GRCh38, 1-based): chr1:207,469,788, C>T. VCF-style: chr1-207469788-C-T. GRCh37 (hg19) VCF-style: chr1-207643133-C-T.
Other names: c.911C>T, p.Thr304Ile (NM_001877.5); short protein forms T304I.
Identifiers: ClinVar variation 1354818 (VCV001354818.8), dbSNP rs747385839, ClinGen allele CA344528197.
Genomic context (GRCh38, chr1:207,469,788, plus strand): 5'-ATGGAAGACATATAGGCAACTCACTAGCAAATGTCTCATATGGAAGCATAGTCACTTACA[C>T]TTGTGACCCGGACCCAGAGGAAGGAGTGAACTTCATCCTTATTGGAGAGAGCACTCTCCG-3'
Protein context (NP_001006659.1, residues 294-314): NVSYGSIVTY[Thr304Ile]CDPDPEEGVN